The following is an entry in ClinVar:

NM_006922.4(SCN3A):c.5508C>T (p.Ala1836=)

Gene: SCN3A (sodium voltage-gated channel alpha subunit 3; minus strand). Cytogenetic location: 2q24.3.
Variant type: single nucleotide variant.
Coding change: c.5508C>T on transcript NM_006922.4 (MANE Select); coding-DNA position 5508, C replaced by T.
Protein change: p.Ala1836=; no amino-acid change (alanine 1836 retained).
Molecular consequence: synonymous variant.
Genome position (GRCh38, 1-based): chr2:165,090,645, G>A on the plus strand (C>T on the coding strand, the complement: SCN3A is on the minus strand). VCF-style: chr2-165090645-G-A. GRCh37 (hg19) VCF-style: chr2-165947155-G-A.
Other names: c.5361C>T, p.Ala1787= (NM_001081676.2, NM_001081677.2).
Identifiers: ClinVar variation 1698296 (VCV001698296.2), dbSNP rs2105618821, ClinGen allele CA429726469.

ClinVar aggregate classification (germline): Uncertain significance (1 of 4 stars; one submission).

Submission:

GeneDx
Classification: Uncertain significance. Last evaluated: 2022-01-21. Review status: criteria provided, single submitter. Criteria: GeneDx Variant Classification Process June 2021. Collection method: clinical testing. Allele origin: germline. Affected: yes.
Comment: Not observed at significant frequency in large population cohorts (gnomAD); In silico analysis supports that this variant does not alter splicing; Has not been previously published as pathogenic or benign to our knowledge